The following is an entry in ClinVar:

NM_001105206.3(LAMA4):c.2213C>T (p.Thr738Ile)

Gene: LAMA4 (laminin subunit alpha 4; minus strand). Cytogenetic location: 6q21.
Variant type: single nucleotide variant.
Coding change: c.2213C>T on transcript NM_001105206.3 (MANE Select); coding-DNA position 2213, C replaced by T.
Protein change: p.Thr738Ile; replaces threonine 738 with isoleucine.
Molecular consequence: missense variant.
Genome position (GRCh38, 1-based): chr6:112,148,297, G>A on the plus strand (C>T on the coding strand, the complement: LAMA4 is on the minus strand). VCF-style: chr6-112148297-G-A. GRCh37 (hg19) VCF-style: chr6-112469499-G-A.
Other names: c.2192C>T, p.Thr731Ile (NM_001105207.3, NM_002290.5); short protein forms T738I, T731I.
Identifiers: ClinVar variation 5023458 (VCV005023458.1).

ClinVar aggregate classification (germline): Uncertain significance (1 of 4 stars; one submission).

Conditions:
Cardiovascular phenotype. Identifiers: MedGen CN230736.

gnomAD v4.1: 4 of 1,614,158 alleles (0.00025%); highest among the groups gnomAD compares: Non-Finnish European, 0.00034%; no homozygotes.

Submission:

Ambry Genetics
Classification: Uncertain significance for Cardiovascular phenotype. Last evaluated: 2026-06-21. Review status: criteria provided, single submitter. Criteria: Ambry Variant Classification Scheme 2023. Collection method: clinical testing. Allele origin: germline.
Comment: The p.T731I variant (also known as c.2192C>T), located in coding exon 17 of the LAMA4 gene, results from a C to T substitution at nucleotide position 2192. The threonine at codon 731 is replaced by isoleucine, an amino acid with similar properties. This amino acid position is conserved. In addition, this alteration is predicted to be tolerated by in silico analysis. Based on the available evidence, the clinical significance of this variant remains unclear.